The following is an entry in ClinVar:

NM_001042492.3(NF1):c.3822_3823dup (p.Phe1275fs)

Gene: NF1 (neurofibromin 1; plus strand). Cytogenetic location: 17q11.2.
Variant type: Microsatellite.
Coding change: c.3822_3823dup on transcript NM_001042492.3 (MANE Select); coding-DNA positions 3822 to 3823, 2 bases duplicated (CT; older notation c.3822_3823dupCT).
Protein change: p.Phe1275fs; shifts the reading frame from phenylalanine 1275.
Molecular consequence: frameshift variant.
Genome position (GRCh38, 1-based): chr17:31,235,724-31,235,725, CT duplicated; duplicating any 2 consecutive bases within chr17:31,235,720-31,235,725 gives the same sequence; the c. name uses the placement nearest the transcript's 3' end. VCF-style (leftmost placement, unchanged base first): chr17-31235719-A-ACT. GRCh37 (hg19) VCF-style: chr17-29562737-A-ACT.
Other names: c.3818_3819CT[4], p.Phe1275Serfs (NM_000267.4); c.3822_3823dupCT (NM_000267.3); short protein forms F1275fs.
Identifiers: ClinVar variation 3404633 (VCV003404633.1).

ClinVar aggregate classification (germline): Pathogenic (1 of 4 stars; one submission).

Conditions:
Hereditary cancer-predisposing syndrome. Also called: Hereditary Cancer Syndrome; Tumor predisposition; Hereditary neoplastic syndrome; Neoplastic Syndromes, Hereditary. Identifiers: Orphanet 140162, MedGen C0027672, MeSH D009386, MONDO:0015356.
Cardiovascular phenotype. Identifiers: MedGen CN230736.

Submission:

Ambry Genetics
Classification: Pathogenic for Cardiovascular phenotype; Hereditary cancer-predisposing syndrome. Last evaluated: 2024-07-02. Review status: criteria provided, single submitter. Criteria: Ambry Variant Classification Scheme 2023. Collection method: clinical testing. Allele origin: germline.
Comment: The c.3822_3823dupCT pathogenic mutation, located in coding exon 28 of the NF1 gene, results from a duplication of CT at nucleotide position 3822, causing a translational frameshift with a predicted alternate stop codon (p.F1275Sfs*11). This variant is considered to be rare based on population cohorts in the Genome Aggregation Database (gnomAD). This alteration is expected to result in loss of function by premature protein truncation or nonsense-mediated mRNA decay. As such, this alteration is interpreted as a disease-causing mutation.